The following is an entry in ClinVar:

NM_001374736.1(DST):c.16966C>G (p.Arg5656Gly)

Gene: DST (dystonin; minus strand). Cytogenetic location: 6p12.1.
Variant type: single nucleotide variant.
Coding change: c.16966C>G on transcript NM_001374736.1 (MANE Select); coding-DNA position 16966, C replaced by G.
Protein change: p.Arg5656Gly; replaces arginine 5656 with glycine.
Molecular consequence: missense variant.
Genome position (GRCh38, 1-based): chr6:56,532,486, G>C on the plus strand (C>G on the coding strand, the complement: DST is on the minus strand). VCF-style: chr6-56532486-G-C. GRCh37 (hg19) VCF-style: chr6-56397284-G-C.
Other names: c.10609C>G, p.Arg3537Gly (NM_001144769.5); c.10195C>G, p.Arg3399Gly (NM_001144770.2); c.16966C>G, p.Arg5656Gly (NM_001374722.1); c.16333C>G, p.Arg5445Gly (NM_001374729.1); c.10075C>G, p.Arg3359Gly (NM_001374730.1, NM_001386100.1, NM_183380.4); c.16993C>G, p.Arg5665Gly (NM_001374734.1); c.9097C>G, p.Arg3033Gly (NM_015548.5); short protein forms R3033G, R3537G, R5665G, R5445G, R5656G, R3359G, R3399G.
Identifiers: ClinVar variation 2153790 (VCV002153790.2), dbSNP rs757999534, ClinGen allele CA3867549.

ClinVar aggregate classification (germline): Uncertain significance (1 of 4 stars; one submission).

Conditions:
Hereditary sensory and autonomic neuropathy type 6. Also called: HSAN VI; Neuropathy, hereditary sensory and autonomic, type VI. Identifiers: Orphanet 314381, MedGen C3539003, MONDO:0013839, OMIM 614653.
Epidermolysis bullosa simplex 3, localized or generalized intermediate, with BP230 deficiency (EBS3). Also called: Epidermolysis bullosa simplex due to BP230 deficiency; Epidermolysis bullosa simplex, autosomal recessive 2. Identifiers: Orphanet 412181, MedGen C3809470, MONDO:0014180, OMIM 615425.

Allele frequency attached by ClinVar (database versions not stated): ExAC 0.00003.
gnomAD v4.1: 8 of 1,603,172 alleles (0.0005%); highest among the groups gnomAD compares: Admixed American, 0.0034%; no homozygotes.

Submission:

Labcorp Genetics (formerly Invitae), Labcorp
Classification: Uncertain significance for Epidermolysis bullosa simplex 3, localized or generalized intermediate, with BP230 deficiency; Hereditary sensory and autonomic neuropathy type 6. Last evaluated: 2022-04-23. Review status: criteria provided, single submitter. Criteria: Invitae Variant Classification Sherloc (09022015). Collection method: clinical testing. Allele origin: germline.
Comment: In summary, the available evidence is currently insufficient to determine the role of this variant in disease. Therefore, it has been classified as a Variant of Uncertain Significance. Experimental studies and prediction algorithms are not available or were not evaluated, and the functional significance of this variant is currently unknown. This variant has not been reported in the literature in individuals affected with DST-related conditions. This variant is present in population databases (rs757999534, gnomAD 0.006%). This sequence change replaces arginine, which is basic and polar, with glycine, which is neutral and non-polar, at codon 3033 of the DST protein (p.Arg3033Gly). The DST gene has multiple clinically relevant transcripts. This variant occurs in alternate transcript NM_015548.4, and corresponds to NM_001723.5:c.*83031C>G in the primary transcript.